The following is an entry in ClinVar:

ClinVar aggregate classification (germline): Conflicting classifications of pathogenicity. Review status: criteria provided, conflicting classifications (1 of 4 stars). 3 submissions from 3 submitters: Uncertain significance (1); Likely benign (2). Last evaluated 2024-10-16.

Conditions:
Dystonia 12 (DYT12). Also called: DYT-ATP1A3; Rapid-Onset Dystonia-Parkinsonism (RDP). Identifiers: Orphanet 71517, MedGen C1868681, MONDO:0007496, OMIM 128235.

Allele frequency attached by ClinVar (database versions not stated): gnomAD exomes below 0.00001; TOPMed below 0.00001.

Submissions (3):

Labcorp Genetics (formerly Invitae), Labcorp
Classification: Likely benign for Dystonia 12. Last evaluated: 2024-10-16. Review status: criteria provided, single submitter. Criteria: Invitae Variant Classification Sherloc (09022015). Collection method: clinical testing. Allele origin: germline.

CeGaT Center for Human Genetics Tuebingen
Classification: Uncertain significance. Last evaluated: 2022-08-01. Review status: criteria provided, single submitter. Criteria: CeGaT Center For Human Genetics Tuebingen Variant Classification Criteria Version 2. Collection method: clinical testing. Allele origin: germline. Affected: yes. Observed: 1 variant allele.
Comment: ATP1A3: PM2, BP4

GeneDx
Classification: Likely benign. Last evaluated: 2018-04-30. Review status: criteria provided, single submitter. Criteria: GeneDx Variant Classification (06012015). Collection method: clinical testing. Allele origin: germline. Affected: yes.
Comment: This variant is considered likely benign or benign based on one or more of the following criteria: it is a conservative change, it occurs at a poorly conserved position in the protein, it is predicted to be benign by multiple in silico algorithms, and/or has population frequency not consistent with disease.

NM_152296.5(ATP1A3):c.2543-6T>A

Gene: ATP1A3 (ATPase Na+/K+ transporting subunit alpha 3; minus strand). Cytogenetic location: 19q13.2.
Variant type: single nucleotide variant.
Coding change: c.2543-6T>A on transcript NM_152296.5 (MANE Select); 6 bases into the intron before coding-DNA position 2543, T replaced by A.
Molecular consequence: intron variant.
Genome position (GRCh38, 1-based): chr19:41,969,586, A>T on the plus strand (T>A on the coding strand, the complement: ATP1A3 is on the minus strand). VCF-style: chr19-41969586-A-T. GRCh37 (hg19) VCF-style: chr19-42473738-A-T.
Other names: c.2582-6T>A (NM_001256214.2); c.2576-6T>A (NM_001256213.2).
Identifiers: ClinVar variation 682225 (VCV000682225.38), dbSNP rs1599705282, ClinGen allele CA915952981.